The following is an entry in ClinVar:

NM_004341.5(CAD):c.2152C>T (p.Leu718Phe)

Gene: CAD (carbamoyl-phosphate synthetase 2, aspartate transcarbamylase, and dihydroorotase; plus strand). Cytogenetic location: 2p23.3.
Variant type: single nucleotide variant.
Coding change: c.2152C>T on transcript NM_004341.5 (MANE Select); coding-DNA position 2152, C replaced by T.
Protein change: p.Leu718Phe; replaces leucine 718 with phenylalanine.
Molecular consequence: missense variant.
Genome position (GRCh38, 1-based): chr2:27,226,645, C>T. VCF-style: chr2-27226645-C-T. GRCh37 (hg19) VCF-style: chr2-27449513-C-T.
Other names: c.1963C>T, p.Leu655Phe (NM_001306079.2); short protein forms L718F, L655F.
Identifiers: ClinVar variation 1514448 (VCV001514448.8), dbSNP rs1386030333, ClinGen allele CA346208101.

ClinVar aggregate classification (germline): Uncertain significance (1 of 4 stars; one submission).

Allele frequency attached by ClinVar (database versions not stated): gnomAD 0.00001; TOPMed 0.00001.
gnomAD v4.1: 2 of 1,613,930 alleles (0.00012%); highest among the groups gnomAD compares: African/African-American, 0.0027%; no homozygotes.

Submission:

Labcorp Genetics (formerly Invitae), Labcorp
Classification: Uncertain significance. Last evaluated: 2021-07-16. Review status: criteria provided, single submitter. Criteria: Invitae Variant Classification Sherloc (09022015). Collection method: clinical testing. Allele origin: germline.
Comment: In summary, the available evidence is currently insufficient to determine the role of this variant in disease. Therefore, it has been classified as a Variant of Uncertain Significance. Algorithms developed to predict the effect of missense changes on protein structure and function are either unavailable or do not agree on the potential impact of this missense change (SIFT: "Deleterious"; PolyPhen-2: "Probably Damaging"; Align-GVGD: "Class C0"). This variant has not been reported in the literature in individuals with CAD-related conditions. This variant is not present in population databases (ExAC no frequency). This sequence change replaces leucine with phenylalanine at codon 718 of the CAD protein (p.Leu718Phe). The leucine residue is moderately conserved and there is a small physicochemical difference between leucine and phenylalanine.